The following is an entry in ClinVar:

NM_001792.5(CDH2):c.1738A>G (p.Asn580Asp)

Gene: CDH2 (cadherin 2; minus strand). Cytogenetic location: 18q12.1.
Variant type: single nucleotide variant.
Coding change: c.1738A>G on transcript NM_001792.5 (MANE Select); coding-DNA position 1738, A replaced by G.
Protein change: p.Asn580Asp; replaces asparagine 580 with aspartic acid.
Molecular consequence: missense variant.
Genome position (GRCh38, 1-based): chr18:27,988,527, T>C on the plus strand (A>G on the coding strand, the complement: CDH2 is on the minus strand). VCF-style: chr18-27988527-T-C. GRCh37 (hg19) VCF-style: chr18-25568491-T-C.
Other names: c.1645A>G, p.Asn549Asp (NM_001308176.2); short protein forms N549D, N580D.
Identifiers: ClinVar variation 3265219 (VCV003265219.1).

ClinVar aggregate classification (germline): Uncertain significance (1 of 4 stars; one submission).

Conditions:
Inborn genetic diseases. Identifiers: MedGen C0950123, MeSH D030342.

Submission:

Ambry Genetics
Classification: Uncertain significance for Inborn genetic diseases. Last evaluated: 2024-05-07. Review status: criteria provided, single submitter. Criteria: Ambry Variant Classification Scheme 2023. Collection method: clinical testing. Allele origin: germline.
Comment: The p.N580D variant (also known as c.1738A>G), located in coding exon 11 of the CDH2 gene, results from an A to G substitution at nucleotide position 1738. The asparagine at codon 580 is replaced by aspartic acid, an amino acid with highly similar properties. This amino acid position is conserved. In addition, this alteration is predicted to be tolerated by in silico analysis. Based on the available evidence, the clinical significance of this variant remains unclear.